The following is an entry in ClinVar:

NM_016310.5(POLR3K):c.14G>C (p.Cys5Ser)

Gene: POLR3K (RNA polymerase III subunit K; minus strand). Cytogenetic location: 16p13.3.
Variant type: single nucleotide variant.
Coding change: c.14G>C on transcript NM_016310.5 (MANE Select); coding-DNA position 14, G replaced by C.
Protein change: p.Cys5Ser; replaces cysteine 5 with serine.
Molecular consequence: missense variant.
Genome position (GRCh38, 1-based): chr16:53,573, C>G on the plus strand (G>C on the coding strand, the complement: POLR3K is on the minus strand). VCF-style: chr16-53573-C-G. GRCh37 (hg19) VCF-style: chr16-103573-C-G.
Other names: short protein forms C5S.
Identifiers: ClinVar variation 5018814 (VCV005018814.2).
Genomic context (GRCh38, chr16:53,573, plus strand): 5'-CAGGCGAAGCGGTGGCAGCGTTGTCCCTCCTCCACGATCAGCCCGTTCCCGCAGCCGGGG[C>G]AGAACAGCAGCATGGTCTCGAACTCCGCAGGCTCCAACTCCCGGCAGCTCCCACTGCCGC-3'
Protein context (NP_057394.3, residues 1-15): MLLF[Cys5Ser]PGCGNGLIVE

ClinVar aggregate classification (germline): Uncertain significance (1 of 4 stars; one submission).

Conditions:
Leukodystrophy, hypomyelinating, 21. Identifiers: MedGen C5543334, MONDO:0030263, OMIM 619310.

Submission:

Juno Genomics, Hangzhou Juno Genomics, Inc
Classification: Uncertain significance for Leukodystrophy, hypomyelinating, 21. Review status: criteria provided, single submitter. Criteria: ACMG Guidelines, 2015. Collection method: clinical testing. Allele origin: germline.
Comment: Absent from controls (or at extremely low frequency if recessive) in Genome Aggregation Database.;Multiple lines of computational evidence support a deleterious effect on the gene or gene product.